The following is an entry in ClinVar:

ClinVar aggregate classification (germline): Uncertain significance (1 of 4 stars; one submission).

Conditions:
ADAMTS10-related disorder. Also called: ADAMTS10-related condition.

Allele frequency attached by ClinVar (database versions not stated): gnomAD exomes below 0.00001; gnomAD 0.00001.
gnomAD v4.1: 5 of 1,613,114 alleles (0.00031%); highest among the groups gnomAD compares: East Asian, 0.0022%; no homozygotes.

Submission:

PreventionGenetics, part of Exact Sciences
Classification: Uncertain significance for ADAMTS10-related condition. Last evaluated: 2023-04-14. Review status: criteria provided, single submitter. Criteria: ACMG Guidelines, 2015. Collection method: clinical testing. Allele origin: germline.
Comment: The ADAMTS10 c.1136A>G variant is predicted to result in the amino acid substitution p.Asn379Ser. To our knowledge, this variant has not been reported in the literature. This variant is reported in 0.0029% of alleles in individuals of Latino descent in gnomAD. At this time, the clinical significance of this variant is uncertain due to the absence of conclusive functional and genetic evidence.

NM_030957.4(ADAMTS10):c.1136A>G (p.Asn379Ser)

Gene: ADAMTS10 (ADAM metallopeptidase with thrombospondin type 1 motif 10; minus strand). Cytogenetic location: 19p13.2.
Variant type: single nucleotide variant.
Coding change: c.1136A>G on transcript NM_030957.4 (MANE Select); coding-DNA position 1136, A replaced by G.
Protein change: p.Asn379Ser; replaces asparagine 379 with serine.
Molecular consequence: missense variant.
Genome position (GRCh38, 1-based): chr19:8,596,361, T>C on the plus strand (A>G on the coding strand, the complement: ADAMTS10 is on the minus strand). VCF-style: chr19-8596361-T-C. GRCh37 (hg19) VCF-style: chr19-8661245-T-C.
Other names: short protein forms N379S.
Identifiers: ClinVar variation 2629474 (VCV002629474.1), dbSNP rs1555740205, ClinGen allele CA403755642.